The following is an entry in ClinVar:

ClinVar aggregate classification (germline): Conflicting classifications of pathogenicity. Review status: criteria provided, conflicting classifications (1 of 4 stars). 2 submissions from 2 submitters: Uncertain significance (1); Benign (1). Last evaluated 2025-08-02.

Allele frequency attached by ClinVar (database versions not stated): TOPMed 0.00249; ESP Exome Variant Server 0.00258; gnomAD exomes 0.00026 and 0.00061; ExAC 0.00079; 1000 Genomes Project 30x 0.00172; 1000 Genomes Project 0.00180; gnomAD 0.00204 and 0.00225.
gnomAD v4.1: 694 of 1,612,530 alleles (0.043%); highest among the groups gnomAD compares: African/African-American, 0.81%; 3 homozygotes.

Submissions (2):

Ambry Genetics
Classification: Uncertain significance. Last evaluated: 2025-08-02. Review status: criteria provided, single submitter. Criteria: Ambry Variant Classification Scheme 2023. Collection method: clinical testing. Allele origin: germline.

Laboratory for Molecular Medicine, Mass General Brigham Personalized Medicine
Classification: Benign. Last evaluated: 2016-03-16. Review status: criteria provided, single submitter. Criteria: LMM Criteria. Collection method: clinical testing. Allele origin: germline. Observed: 1 variant allele.
Comment: p.Arg5035His in exon 33 of MUC5B: This variant is not expected to have clinical significance because it has been identified in 1% (82/8512) of African chromosom es by the Exome Aggregation Consortium (ExAC; db SNP rs141222463).

NM_002458.3(MUC5B):c.15104G>A (p.Arg5035His)

Gene: MUC5B (mucin 5B, oligomeric mucus/gel-forming; plus strand). Cytogenetic location: 11p15.5.
Variant type: single nucleotide variant.
Coding change: c.15104G>A on transcript NM_002458.3 (MANE Select); coding-DNA position 15104, G replaced by A.
Protein change: p.Arg5035His; replaces arginine 5035 with histidine.
Molecular consequence: missense variant.
Genome position (GRCh38, 1-based): chr11:1,252,867, G>A. VCF-style: chr11-1252867-G-A. GRCh37 (hg19) VCF-style: chr11-1274097-G-A.
Other names: short protein forms R5035H.
Identifiers: ClinVar variation 226732 (VCV000226732.5), dbSNP rs141222463, ClinGen allele CA5808952.